The following is an entry in ClinVar:

NM_001252024.2(TRPM1):c.2801T>C (p.Ile934Thr)

Genes: TRPM1 (transient receptor potential cation channel subfamily M member 1; minus strand), TRPM1-AS1 (TRPM1 antisense RNA 1; plus strand). Cytogenetic location: 15q13.3.
Variant type: single nucleotide variant.
Coding change: c.2801T>C on transcript NM_001252024.2 (MANE Select); coding-DNA position 2801, T replaced by C.
Protein change: p.Ile934Thr; replaces isoleucine 934 with threonine.
Molecular consequence: missense variant.
Genome position (GRCh38, 1-based): chr15:31,032,840, A>G on the plus strand (T>C on the coding strand, the complement: TRPM1 is on the minus strand). VCF-style: chr15-31032840-A-G. GRCh37 (hg19) VCF-style: chr15-31325043-A-G.
Other names: c.2852T>C, p.Ile951Thr (NM_001252020.2); c.2735T>C, p.Ile912Thr (NM_002420.6); short protein forms I912T, I934T, I951T.
Identifiers: ClinVar variation 1051323 (VCV001051323.9), dbSNP rs2140912899, ClinGen allele CA391546198.

ClinVar aggregate classification (germline): Uncertain significance (1 of 4 stars; one submission).

Allele frequency attached by ClinVar (database versions not stated): gnomAD exomes below 0.00001.
gnomAD v4.1: 1 of 1,614,236 alleles (0.000062%); highest among the groups gnomAD compares: Non-Finnish European, 0.000085%; no homozygotes.

Submission:

Labcorp Genetics (formerly Invitae), Labcorp
Classification: Uncertain significance. Last evaluated: 2022-02-11. Review status: criteria provided, single submitter. Criteria: Invitae Variant Classification Sherloc (09022015). Collection method: clinical testing. Allele origin: germline.
Comment: In summary, the available evidence is currently insufficient to determine the role of this variant in disease. Therefore, it has been classified as a Variant of Uncertain Significance. Algorithms developed to predict the effect of missense changes on protein structure and function are either unavailable or do not agree on the potential impact of this missense change (SIFT: "Deleterious"; PolyPhen-2: "Benign"; Align-GVGD: "Class C0"). ClinVar contains an entry for this variant (Variation ID: 1051323). This variant has not been reported in the literature in individuals affected with TRPM1-related conditions. This variant is not present in population databases (gnomAD no frequency). This sequence change replaces isoleucine, which is neutral and non-polar, with threonine, which is neutral and polar, at codon 912 of the TRPM1 protein (p.Ile912Thr).